The following is an entry in ClinVar:

NM_001415.4(EIF2S3):c.5C>G (p.Ala2Gly)

Genes: EIF2S3 (eukaryotic translation initiation factor 2 subunit gamma; plus strand), LOC130068055 (ATAC-STARR-seq lymphoblastoid active region 29496; plus strand). Cytogenetic location: Xp22.11.
Variant type: single nucleotide variant.
Coding change: c.5C>G on transcript NM_001415.4 (MANE Select); coding-DNA position 5, C replaced by G.
Protein change: p.Ala2Gly; replaces alanine 2 with glycine.
Molecular consequence: missense variant.
Genome position (GRCh38, 1-based): chrX:24,054,973, C>G. VCF-style: chrX-24054973-C-G. GRCh37 (hg19) VCF-style: chrX-24073090-C-G.
Other names: short protein forms A2G.
Identifiers: ClinVar variation 451349 (VCV000451349.2), dbSNP rs1555982746, ClinGen allele CA412592983.
Genomic context (GRCh38, chrX:24,054,973, plus strand): 5'-GACCCCTGCAGATGATCAGGCGGCAGCCGGGGTGATTTCCTTCCTCTTTTGGCAACATGG[C>G]GGGCGGAGAAGCTGGAGTGACTCTAGGGCAGCCGCATCTTTCGCGTCAGGATCTCACCAC-3'
Protein context (NP_001406.1, residues 1-12): M[Ala2Gly]GGEAGVTLGQ

ClinVar aggregate classification (germline): Uncertain significance (1 of 4 stars; one submission).

Submission:

GeneDx
Classification: Uncertain significance. Last evaluated: 2017-08-18. Review status: criteria provided, single submitter. Criteria: GeneDx Variant Classification (06012015). Collection method: clinical testing. Allele origin: germline. Affected: yes.
Comment: The A2G variant in the EIF2S3 gene has not been reported previously as a pathogenic variant, nor as a benign variant, to our knowledge. The A2G variant is not observed in large population cohorts (Lek et al., 2016; 1000 Genomes Consortium et al., 2015; Exome Variant Server). The A2G variant is a conservative amino acid substitution, which is not likely to impact secondary protein structure as these residues share similar properties. This substitution occurs at a position that is conserved across species. In silico analysis is inconsistent in its predictions as to whether or not the variant is damaging to the protein structure/function. We interpret A2G as a variant of uncertain significance